The following is an entry in ClinVar:

ClinVar aggregate classification (germline): Uncertain significance (1 of 4 stars; one submission).

Submission:

CeGaT Center for Human Genetics Tuebingen
Classification: Uncertain significance. Last evaluated: 2022-08-01. Review status: criteria provided, single submitter. Criteria: CeGaT Center For Human Genetics Tuebingen Variant Classification Criteria Version 2. Collection method: clinical testing. Allele origin: germline. Affected: yes. Observed: 1 variant allele.
Comment: NIPBL: PM2

NM_133433.4(NIPBL):c.2648C>T (p.Ser883Phe)

Gene: NIPBL (NIPBL cohesin loading factor; plus strand). Cytogenetic location: 5p13.2.
Variant type: single nucleotide variant.
Coding change: c.2648C>T on transcript NM_133433.4 (MANE Select); coding-DNA position 2648, C replaced by T.
Protein change: p.Ser883Phe; replaces serine 883 with phenylalanine.
Molecular consequence: missense variant.
Genome position (GRCh38, 1-based): chr5:36,985,828, C>T. VCF-style: chr5-36985828-C-T. GRCh37 (hg19) VCF-style: chr5-36985930-C-T.
Other names: c.2648C>T, p.Ser883Phe (NM_015384.5); short protein forms S883F.
Identifiers: ClinVar variation 2655420 (VCV002655420.24), dbSNP rs2477935793, ClinGen allele CA359503669.